The following is an entry in ClinVar:

ClinVar aggregate classification (germline): Uncertain significance (1 of 4 stars; one submission).

Allele frequency attached by ClinVar (database versions not stated): gnomAD exomes below 0.00001; TOPMed below 0.00001.
gnomAD v4.1: 1 of 1,614,032 alleles (0.000062%); highest among the groups gnomAD compares: Non-Finnish European, 0.000085%; no homozygotes.

Submission:

Labcorp Genetics (formerly Invitae), Labcorp
Classification: Uncertain significance. Last evaluated: 2021-08-11. Review status: criteria provided, single submitter. Criteria: Invitae Variant Classification Sherloc (09022015). Collection method: clinical testing. Allele origin: germline.
Comment: This variant has not been reported in the literature in individuals affected with WDFY3-related conditions. This sequence change replaces proline with leucine at codon 1757 of the WDFY3 protein (p.Pro1757Leu). The proline residue is weakly conserved and there is a moderate physicochemical difference between proline and leucine. This variant is not present in population databases (ExAC no frequency). Algorithms developed to predict the effect of missense changes on protein structure and function output the following: SIFT: "Tolerated"; PolyPhen-2: "Benign"; Align-GVGD: "Class C0". The leucine amino acid residue is found in multiple mammalian species, which suggests that this missense change does not adversely affect protein function. In summary, the available evidence is currently insufficient to determine the role of this variant in disease. Therefore, it has been classified as a Variant of Uncertain Significance.

NM_014991.6(WDFY3):c.5270C>T (p.Pro1757Leu)

Gene: WDFY3 (WD repeat and FYVE domain containing 3; minus strand). Cytogenetic location: 4q21.23.
Variant type: single nucleotide variant.
Coding change: c.5270C>T on transcript NM_014991.6 (MANE Select); coding-DNA position 5270, C replaced by T.
Protein change: p.Pro1757Leu; replaces proline 1757 with leucine.
Molecular consequence: missense variant.
Genome position (GRCh38, 1-based): chr4:84,757,080, G>A on the plus strand (C>T on the coding strand, the complement: WDFY3 is on the minus strand). VCF-style: chr4-84757080-G-A. GRCh37 (hg19) VCF-style: chr4-85678233-G-A.
Other names: short protein forms P1757L.
Identifiers: ClinVar variation 1410424 (VCV001410424.6), dbSNP rs1741593130, ClinGen allele CA357563679.